The following is an entry in ClinVar:

ClinVar aggregate classification (germline): Uncertain significance (1 of 4 stars; one submission).

Conditions:
Primary ciliary dyskinesia. Also called: Ciliary dyskinesia. Identifiers: Orphanet 244, MedGen C0008780, MONDO:0016575, HP:0012265.

gnomAD v4.1: 2 of 1,588,726 alleles (0.00013%); highest among the groups gnomAD compares: African/African-American, 0.0013%; no homozygotes.

Submission:

Labcorp Genetics (formerly Invitae), Labcorp
Classification: Uncertain significance for Primary ciliary dyskinesia. Last evaluated: 2022-09-07. Review status: criteria provided, single submitter. Criteria: Invitae Variant Classification Sherloc (09022015). Collection method: clinical testing. Allele origin: germline.
Comment: In summary, the available evidence is currently insufficient to determine the role of this variant in disease. Therefore, it has been classified as a Variant of Uncertain Significance. Algorithms developed to predict the effect of missense changes on protein structure and function are either unavailable or do not agree on the potential impact of this missense change (SIFT: "Tolerated"; PolyPhen-2: "Probably Damaging"; Align-GVGD: "Class C0"). This variant has not been reported in the literature in individuals affected with RSPH4A-related conditions. This variant is not present in population databases (gnomAD no frequency). This sequence change replaces proline, which is neutral and non-polar, with arginine, which is basic and polar, at codon 605 of the RSPH4A protein (p.Pro605Arg).

NM_001010892.3(RSPH4A):c.1814C>G (p.Pro605Arg)

Gene: RSPH4A (radial spoke head component 4A; plus strand). Cytogenetic location: 6q22.1.
Variant type: single nucleotide variant.
Coding change: c.1814C>G on transcript NM_001010892.3 (MANE Select); coding-DNA position 1814, C replaced by G.
Protein change: p.Pro605Arg; replaces proline 605 with arginine.
Molecular consequence: missense variant.
Genome position (GRCh38, 1-based): chr6:116,630,450, C>G. VCF-style: chr6-116630450-C-G. GRCh37 (hg19) VCF-style: chr6-116951613-C-G.
Other names: c.1678C>G, p.Pro560Ala (NM_001161664.2); short protein forms P605R, P560A.
Identifiers: ClinVar variation 2155169 (VCV002155169.4), dbSNP rs775186734, ClinGen allele CA365409757.